The following is an entry in ClinVar:

NM_001011551.3(C1GALT1C1):c.193A>G (p.Lys65Glu)

Gene: C1GALT1C1 (C1GALT1 specific chaperone 1; minus strand). Cytogenetic location: Xq24.
Variant type: single nucleotide variant.
Coding change: c.193A>G on transcript NM_001011551.3 (MANE Select); coding-DNA position 193, A replaced by G.
Protein change: p.Lys65Glu; replaces lysine 65 with glutamic acid.
Molecular consequence: missense variant.
Genome position (GRCh38, 1-based): chrX:120,626,974, T>C on the plus strand (A>G on the coding strand, the complement: C1GALT1C1 is on the minus strand). VCF-style: chrX-120626974-T-C. GRCh37 (hg19) VCF-style: chrX-119760829-T-C.
Other names: c.193A>G, p.Lys65Glu (NM_152692.5); short protein forms K65E.
Identifiers: ClinVar variation 3026056 (VCV003026056.22), dbSNP rs2521331289, ClinGen allele CA414209997.
Genomic context (GRCh38, chrX:120,626,974, plus strand): 5'-CAGCCCAAAGACTCACATCTTTGGGTTTTACAAGGATAATACAGTATACTCGAAAGCTCT[T>C]ACTGAGCTCCATGCGCTCATCCTCTGAAATTTTCAAGATATCTTCTTTGTTAGGAGCTTG-3'
Protein context (NP_001011551.1, residues 55-75): ISEDERMELS[Lys65Glu]SFRVYCIILV

ClinVar aggregate classification (germline): Uncertain significance (1 of 4 stars; one submission).

Allele frequency attached by ClinVar (database versions not stated): gnomAD exomes below 0.00001.
gnomAD v4.1: 2 of 1,211,225 alleles (0.00017%); highest among the groups gnomAD compares: Non-Finnish European, 0.00022%; no homozygotes.

Submission:

CeGaT Center for Human Genetics Tuebingen
Classification: Uncertain significance. Last evaluated: 2024-01-01. Review status: criteria provided, single submitter. Criteria: CeGaT Center For Human Genetics Tuebingen Variant Classification Criteria Version 2. Collection method: clinical testing. Allele origin: germline. Affected: yes. Observed: 1 variant allele.
Comment: C1GALT1C1: PM2, BP4